The following is an entry in ClinVar:

ClinVar aggregate classification (germline): Uncertain significance (1 of 4 stars; one submission).

Conditions:
Aortic aneurysm, familial thoracic 8 (AAT8). Identifiers: MedGen C3809513, MONDO:0014187, OMIM 615436.

Submission:

Labcorp Genetics (formerly Invitae), Labcorp
Classification: Uncertain significance for Aortic aneurysm, familial thoracic 8. Last evaluated: 2021-11-05. Review status: criteria provided, single submitter. Criteria: Invitae Variant Classification Sherloc (09022015). Collection method: clinical testing. Allele origin: germline.
Comment: This sequence change replaces alanine, which is neutral and non-polar, with threonine, which is neutral and polar, at codon 78 of the PRKG1 protein (p.Ala78Thr). In summary, the available evidence is currently insufficient to determine the role of this variant in disease. Therefore, it has been classified as a Variant of Uncertain Significance. Algorithms developed to predict the effect of missense changes on protein structure and function are either unavailable or do not agree on the potential impact of this missense change (SIFT: "Deleterious"; PolyPhen-2: "Benign"; Align-GVGD: "Class C0"). This variant has not been reported in the literature in individuals affected with PRKG1-related conditions. This variant is not present in population databases (gnomAD no frequency).

NM_006258.4(PRKG1):c.232G>A (p.Ala78Thr)

Gene: PRKG1 (protein kinase cGMP-dependent 1; plus strand). Cytogenetic location: 10q11.23.
Variant type: single nucleotide variant.
Coding change: c.232G>A on transcript NM_006258.4 (MANE Select); coding-DNA position 232, G replaced by A.
Protein change: p.Ala78Thr; replaces alanine 78 with threonine.
Molecular consequence: missense variant. On other transcripts: intron variant (1).
Genome position (GRCh38, 1-based): chr10:51,074,822, G>A. VCF-style: chr10-51074822-G-A. GRCh37 (hg19) VCF-style: chr10-52834582-G-A.
Other names: c.232G>A, p.Ala78Thr (NM_001374782.1); c.267-78342G>A (NM_001098512.3); short protein forms A78T.
Identifiers: ClinVar variation 1381671 (VCV001381671.6), dbSNP rs2132804704, ClinGen allele CA376827083.